The following is an entry in ClinVar:

NM_015015.3(KDM4B):c.1059C>T (p.Pro353=)

Gene: KDM4B (lysine demethylase 4B; plus strand). Cytogenetic location: 19p13.3.
Variant type: single nucleotide variant.
Coding change: c.1059C>T on transcript NM_015015.3 (MANE Select); coding-DNA position 1059, C replaced by T.
Protein change: p.Pro353=; no amino-acid change (proline 353 retained).
Molecular consequence: synonymous variant.
Genome position (GRCh38, 1-based): chr19:5,110,762, C>T. VCF-style: chr19-5110762-C-T. GRCh37 (hg19) VCF-style: chr19-5110773-C-T.
Other names: c.1059C>T, p.Pro353= (NM_001370093.1, NM_001370094.1).
Identifiers: ClinVar variation 782320 (VCV000782320.27), dbSNP rs139508576, ClinGen allele CA9107568.

ClinVar aggregate classification (germline): Likely benign. Review status: criteria provided, multiple submitters, no conflicts (2 of 4 stars). 2 submissions from 2 submitters: Likely benign (2). Last evaluated 2023-07-01.

Allele frequency attached by ClinVar (database versions not stated): gnomAD 0.00015; TOPMed 0.00015; gnomAD exomes 0.00017 and 0.00018; ExAC 0.00021; ESP Exome Variant Server 0.00031.
gnomAD v4.1: 270 of 1,609,400 alleles (0.017%); highest among the groups gnomAD compares: East Asian, 0.13%; no homozygotes.

Submissions (2):

CeGaT Center for Human Genetics Tuebingen
Classification: Likely benign. Last evaluated: 2023-07-01. Review status: criteria provided, single submitter. Criteria: CeGaT Center For Human Genetics Tuebingen Variant Classification Criteria Version 2. Collection method: clinical testing. Allele origin: germline. Affected: yes. Observed: 1 variant allele.
Comment: KDM4B: BP4, BP7

Labcorp Genetics (formerly Invitae), Labcorp
Classification: Likely benign. Last evaluated: 2018-03-29. Review status: criteria provided, single submitter. Criteria: Invitae Variant Classification Sherloc (09022015). Collection method: clinical testing. Allele origin: germline.